The following is an entry in ClinVar:

ClinVar aggregate classification (germline): Uncertain significance. Review status: criteria provided, multiple submitters, no conflicts (2 of 4 stars). 2 submissions from 2 submitters: Uncertain significance (2). Last evaluated 2026-03-24.

Conditions:
DCTN1-related disorder. Also called: DCTN1-related condition.
Neuronopathy, distal hereditary motor, type 7B. Also called: Distal Hereditary Motor Neuronopathy Type 7B (dHMN7B); HMN VIIB; LOWER MOTOR NEURON DISEASE, DYNACTIN TYPE; NEURONOPATHY, DISTAL HEREDITARY MOTOR, AUTOSOMAL DOMINANT 14; NEURONOPATHY, DISTAL HEREDITARY MOTOR, HARDING TYPE VIIB; NEUROPATHY, DISTAL HEREDITARY MOTOR, HARDING TYPE VIIB. Identifiers: Orphanet 139589, MedGen C1843315, MONDO:0011879, OMIM 607641.
Perry syndrome. Also called: PARKINSONISM WITH ALVEOLAR HYPOVENTILATION AND MENTAL DEPRESSION. Identifiers: Orphanet 178509, MedGen C1868594, MONDO:0008201, OMIM 168605.
Amyotrophic lateral sclerosis type 1 (ALS1). Also called: AMYOTROPHIC LATERAL SCLEROSIS 1, FAMILIAL. Identifiers: Orphanet 803, MedGen C1862939, MONDO:0007103, OMIM 105400.

Allele frequency attached by ClinVar (database versions not stated): gnomAD 0.00002.
gnomAD v4.1: 33 of 1,579,222 alleles (0.0021%); highest among the groups gnomAD compares: African/African-American, 0.0094%; no homozygotes.

Submissions (2):

PreventionGenetics, part of Exact Sciences
Classification: Uncertain significance for DCTN1-related condition. Last evaluated: 2026-03-24. Review status: criteria provided, single submitter. Criteria: ACMG Guidelines, 2015. Collection method: clinical testing. Allele origin: germline.
Comment: The DCTN1 c.626C>G variant is predicted to result in the amino acid substitution p.Pro209Arg. To our knowledge, this variant has not been reported in the literature. This variant is reported in 0.0068% of alleles in individuals of Latino descent in gnomAD. At this time, the clinical significance of this variant is uncertain due to the absence of conclusive functional and genetic evidence.

Labcorp Genetics (formerly Invitae), Labcorp
Classification: Uncertain significance for Amyotrophic lateral sclerosis type 1; Neuronopathy, distal hereditary motor, type 7B; Perry syndrome. Last evaluated: 2024-08-31. Review status: criteria provided, single submitter. Criteria: Invitae Variant Classification Sherloc (09022015). Collection method: clinical testing. Allele origin: germline.
Comment: This sequence change replaces proline, which is neutral and non-polar, with arginine, which is basic and polar, at codon 209 of the DCTN1 protein (p.Pro209Arg). This variant is present in population databases (rs112725508, gnomAD 0.007%). This variant has not been reported in the literature in individuals affected with DCTN1-related conditions. ClinVar contains an entry for this variant (Variation ID: 1435426). Invitae Evidence Modeling of protein sequence and biophysical properties (such as structural, functional, and spatial information, amino acid conservation, physicochemical variation, residue mobility, and thermodynamic stability) indicates that this missense variant is not expected to disrupt DCTN1 protein function with a negative predictive value of 80%. In summary, the available evidence is currently insufficient to determine the role of this variant in disease. Therefore, it has been classified as a Variant of Uncertain Significance.

NM_004082.5(DCTN1):c.626C>G (p.Pro209Arg)

Gene: DCTN1 (dynactin subunit 1; minus strand). Cytogenetic location: 2p13.1.
Variant type: single nucleotide variant.
Coding change: c.626C>G on transcript NM_004082.5 (MANE Select); coding-DNA position 626, C replaced by G.
Protein change: p.Pro209Arg; replaces proline 209 with arginine.
Molecular consequence: missense variant. On other transcripts: non-coding transcript variant (1).
Genome position (GRCh38, 1-based): chr2:74,371,556, G>C on the plus strand (C>G on the coding strand, the complement: DCTN1 is on the minus strand). VCF-style: chr2-74371556-G-C. GRCh37 (hg19) VCF-style: chr2-74598683-G-C.
Other names: c.566C>G, p.Pro189Arg (NM_001135040.3); c.224C>G, p.Pro75Arg (NM_001135041.3, NM_023019.4); c.515C>G, p.Pro172Arg (NM_001190836.2); c.605C>G, p.Pro202Arg (NM_001190837.2); c.575C>G, p.Pro192Arg (NM_001378991.1); c.557C>G, p.Pro186Arg (NM_001378992.1); c.626C>G (NM_004082.4); short protein forms P189R, P192R, P202R, P75R, P172R, P186R, P209R.
Identifiers: ClinVar variation 1435426 (VCV001435426.7), dbSNP rs112725508, ClinGen allele CA50477460.